The following is an entry in ClinVar:

ClinVar aggregate classification (germline): Likely benign (1 of 4 stars; one submission).

gnomAD v4.1: 1 of 1,613,046 alleles (0.000062%); highest among the groups gnomAD compares: Non-Finnish European, 0.000085%; no homozygotes.

Submission:

CeGaT Center for Human Genetics Tuebingen
Classification: Likely benign. Last evaluated: 2024-10-01. Review status: criteria provided, single submitter. Criteria: CeGaT Center For Human Genetics Tuebingen Variant Classification Criteria Version 2. Collection method: clinical testing. Allele origin: germline. Affected: yes. Observed: 2 variant alleles.
Comment: TET3: BP4

NM_001287491.2(TET3):c.4219G>C (p.Ala1407Pro)

Gene: TET3 (tet methylcytosine dioxygenase 3; plus strand). Cytogenetic location: 2p13.1.
Variant type: single nucleotide variant.
Coding change: c.4219G>C on transcript NM_001287491.2 (MANE Select); coding-DNA position 4219, G replaced by C.
Protein change: p.Ala1407Pro; replaces alanine 1407 with proline.
Molecular consequence: missense variant.
Genome position (GRCh38, 1-based): chr2:74,101,007, G>C. VCF-style: chr2-74101007-G-C. GRCh37 (hg19) VCF-style: chr2-74328134-G-C.
Other names: c.3940G>C, p.Ala1314Pro (NM_001366022.1); c.3814G>C, p.Ala1272Pro (NM_144993.1); short protein forms A1272P, A1314P, A1407P.
Identifiers: ClinVar variation 3250638 (VCV003250638.18), dbSNP rs2528191683.